The following is an entry in ClinVar:

NM_003664.5(AP3B1):c.2734C>T (p.Arg912Ter)

Gene: AP3B1 (adaptor related protein complex 3 subunit beta 1; minus strand). Cytogenetic location: 5q14.1.
Variant type: single nucleotide variant.
Coding change: c.2734C>T on transcript NM_003664.5 (MANE Select); coding-DNA position 2734, C replaced by T.
Protein change: p.Arg912Ter; replaces arginine 912 with a stop codon.
Molecular consequence: nonsense.
Genome position (GRCh38, 1-based): chr5:78,039,118, G>A on the plus strand (C>T on the coding strand, the complement: AP3B1 is on the minus strand). VCF-style: chr5-78039118-G-A. GRCh37 (hg19) VCF-style: chr5-77334942-G-A.
Other names: c.2587C>T, p.Arg863Ter (NM_001271769.2); short protein forms R863*, R912*.
Identifiers: ClinVar variation 2739632 (VCV002739632.3), dbSNP rs752519227, ClinGen allele CA360332002.

ClinVar aggregate classification (germline): Pathogenic (1 of 4 stars; one submission).

Conditions:
Hermansky-Pudlak syndrome 2 (HPS2). Also called: Platelet defects and oculocutaneous albinism. Identifiers: Orphanet 183678, Orphanet 79430, MedGen C1842362, MONDO:0011997, OMIM 608233.

Allele frequency attached by ClinVar (database versions not stated): TOPMed 0.00001; gnomAD 0.00002.
gnomAD v4.1: 9 of 1,612,754 alleles (0.00056%); highest among the groups gnomAD compares: Non-Finnish European, 0.00076%; no homozygotes.

Submission:

Labcorp Genetics (formerly Invitae), Labcorp
Classification: Pathogenic for Hermansky-Pudlak syndrome 2. Last evaluated: 2023-07-09. Review status: criteria provided, single submitter. Criteria: Invitae Variant Classification Sherloc (09022015). Collection method: clinical testing. Allele origin: germline.
Comment: For these reasons, this variant has been classified as Pathogenic. This variant has not been reported in the literature in individuals affected with AP3B1-related conditions. This variant is present in population databases (no rsID available, gnomAD 0.0009%). This sequence change creates a premature translational stop signal (p.Arg912*) in the AP3B1 gene. It is expected to result in an absent or disrupted protein product. Loss-of-function variants in AP3B1 are known to be pathogenic (PMID: 16507770, 23403622).

Literature cited by the submitters: PubMed 16507770; PubMed 23403622.